The following is an entry in ClinVar:

NM_014168.4(METTL5):c.141T>C (p.Tyr47=)

Gene: METTL5 (methyltransferase 5, N6-adenosine; minus strand). Cytogenetic location: 2q31.1.
Variant type: single nucleotide variant.
Coding change: c.141T>C on transcript NM_014168.4 (MANE Select); coding-DNA position 141, T replaced by C.
Protein change: p.Tyr47=; no amino-acid change (tyrosine 47 retained).
Molecular consequence: synonymous variant.
Genome position (GRCh38, 1-based): chr2:169,822,026, A>G on the plus strand (T>C on the coding strand, the complement: METTL5 is on the minus strand). VCF-style: chr2-169822026-A-G. GRCh37 (hg19) VCF-style: chr2-170678536-A-G.
Other names: c.141T>C, p.Tyr47= (NM_001293186.2, NM_001293187.2).
Identifiers: ClinVar variation 3049994 (VCV003049994.2), dbSNP rs147266845, ClinGen allele CA1959685.

ClinVar aggregate classification (germline): Benign (0 of 4 stars; one submission).

Conditions:
METTL5-related disorder. Also called: METTL5-related condition.

Allele frequency attached by ClinVar (database versions not stated): ExAC 0.00227; gnomAD 0.00697; 1000 Genomes Project 0.00719; 1000 Genomes Project 30x 0.00734; ESP Exome Variant Server 0.00738; TOPMed 0.00827.
gnomAD v4.1: 2,216 of 1,612,738 alleles (0.14%); highest among the groups gnomAD compares: African/African-American, 2.6%; 26 homozygotes.

Submission:

PreventionGenetics, part of Exact Sciences
Classification: Benign for METTL5-related condition. Last evaluated: 2019-03-25. Review status: no assertion criteria provided. Collection method: clinical testing. Allele origin: germline.
Comment: This variant is classified as benign based on ACMG/AMP sequence variant interpretation guidelines (Richards et al. 2015 PMID: 25741868, with internal and published modifications).